The following is an entry in ClinVar:

NM_014014.5(SNRNP200):c.2715C>T (p.Ile905=)

Gene: SNRNP200 (small nuclear ribonucleoprotein U5 subunit 200; minus strand). Cytogenetic location: 2q11.2.
Variant type: single nucleotide variant.
Coding change: c.2715C>T on transcript NM_014014.5 (MANE Select); coding-DNA position 2715, C replaced by T.
Protein change: p.Ile905=; no amino-acid change (isoleucine 905 retained).
Molecular consequence: synonymous variant.
Genome position (GRCh38, 1-based): chr2:96,290,353, G>A on the plus strand (C>T on the coding strand, the complement: SNRNP200 is on the minus strand). VCF-style: chr2-96290353-G-A. GRCh37 (hg19) VCF-style: chr2-96956091-G-A.
Other names: c.2715C>T (NM_014014.4).
Identifiers: ClinVar variation 1927203 (VCV001927203.7), dbSNP rs138641050, ClinGen allele CA1778647.

ClinVar aggregate classification (germline): Likely benign. Review status: criteria provided, multiple submitters, no conflicts (2 of 4 stars). 3 submissions from 3 submitters: Likely benign (3). Last evaluated 2026-01-24.

Conditions:
SNRNP200-related disorder. Also called: SNRNP200-related condition.

Allele frequency attached by ClinVar (database versions not stated): TOPMed 0.00001; ExAC 0.00002; gnomAD 0.00002.
gnomAD v4.1: 72 of 1,614,096 alleles (0.0045%); highest among the groups gnomAD compares: East Asian, 0.0067%; no homozygotes.

Submissions (3):

PreventionGenetics, part of Exact Sciences
Classification: Likely benign for SNRNP200-related condition. Last evaluated: 2026-01-24. Review status: criteria provided, single submitter. Criteria: ACMG Guidelines, 2015. Collection method: clinical testing. Allele origin: germline.
Comment: This variant is classified as likely benign based on ACMG/AMP sequence variant interpretation guidelines (Richards et al. 2015 PMID: 25741868, with internal and published modifications).

Labcorp Genetics (formerly Invitae), Labcorp
Classification: Likely benign. Last evaluated: 2025-02-17. Review status: criteria provided, single submitter. Criteria: Invitae Variant Classification Sherloc (09022015). Collection method: clinical testing. Allele origin: germline.

Blueprint Genetics
Classification: Likely benign. Last evaluated: 2019-12-11. Review status: criteria provided, single submitter. Criteria: ACMG Guidelines, 2015. Collection method: clinical testing. Allele origin: germline.